The following is an entry in ClinVar:

NM_007294.4(BRCA1):c.3637del (p.Glu1213fs)

Genes: BRCA1 (BRCA1 DNA repair associated; minus strand), LOC126862571 (BRD4-independent group 4 enhancer GRCh37_chr17:41243136-41244335; plus strand). Cytogenetic location: 17q21.31.
Variant type: Deletion.
Coding change: c.3637del on transcript NM_007294.4 (MANE Select); coding-DNA position 3637, one base deleted (G; older notation c.3637delG).
Protein change: p.Glu1213fs; shifts the reading frame from glutamic acid 1213.
Molecular consequence: frameshift variant. On other transcripts: intron variant (135).
Genome position (GRCh38, 1-based): chr17:43,091,894, C deleted on the plus strand (G on the coding strand, the reverse complement: BRCA1 is on the minus strand). VCF-style (leftmost placement, unchanged base first): chr17-43091893-TC-T. GRCh37 (hg19) VCF-style: chr17-41243910-TC-T.
Other names: c.3424del, p.Glu1142fs (NM_001407571.1, NM_001407853.1, NM_001407894.1 and 9 more transcripts); c.3637del, p.Glu1213fs (NM_001407581.1, NM_001407582.1, NM_001407583.1 and 30 more transcripts); c.3634del, p.Glu1212fs (NM_001407587.1, NM_001407590.1, NM_001407591.1 and 22 more transcripts); c.3628del, p.Glu1210fs (NM_001407646.1, NM_001407647.1); c.3514del, p.Glu1172fs (NM_001407648.1, NM_001407664.1, NM_001407665.1 and 19 more transcripts); c.3511del, p.Glu1171fs (NM_001407649.1, NM_001407670.1, NM_001407671.1 and 11 more transcripts); c.3559del, p.Glu1187fs (NM_001407653.1, NM_001407654.1, NM_001407655.1 and 4 more transcripts); c.3556del, p.Glu1186fs (NM_001407659.1, NM_001407660.1, NM_001407661.1 and 1 more transcripts); and 41 more; short protein forms E1166fs, E1213fs, E1101fs, E345fs, E917fs, E1045fs, E1102fs, E1142fs.
Identifiers: ClinVar variation 441386 (VCV000441386.6), dbSNP rs1555587365, ClinGen allele CA658653693.
Genomic context (GRCh38, chr17:43,091,893, plus strand): 5'-TTACCAAATAACAAGTGTTGGAAGCAGGGAAGCTCTTCATCCTCACTAGATAAGTTCTCT[TC>T]TGAGGACTCTAATTTCTTGGCCCCTCTTCGGTAACCCTGAGCCAAATGTGTATGGGTGAA-3'

ClinVar aggregate classification (germline): Pathogenic. Review status: reviewed by expert panel (3 of 4 stars). 2 submissions from 2 submitters: Pathogenic (1). 1 of the submissions does not count toward it. Last evaluated 2017-12-15.

Conditions:
Hereditary cancer-predisposing syndrome. Also called: Neoplastic Syndromes, Hereditary; Hereditary neoplastic syndrome; Tumor predisposition; Hereditary Cancer Syndrome. Identifiers: Orphanet 140162, MedGen C0027672, MeSH D009386, MONDO:0015356.
Breast-ovarian cancer, familial, susceptibility to, 1 (BROVCA1). Also called: BRCA1 Hereditary Breast and Ovarian Cancer; OVARIAN CANCER, SUSCEPTIBILITY TO. Identifiers: Orphanet 145, MedGen C2676676, MONDO:0011450, OMIM 604370. Disease mechanism: loss of function.

Submissions (2):

Evidence-based Network for the Interpretation of Germline Mutant Alleles (ENIGMA)
Classification: Pathogenic for Breast-ovarian cancer, familial, susceptibility to, 1. Last evaluated: 2017-12-15. Review status: reviewed by expert panel. Criteria: ENIGMA BRCA1/2 Classification Criteria (2017-06-29). Collection method: curation. Allele origin: germline. Study: ENIGMA.
Comment: Variant allele predicted to encode a truncated non-functional protein.

Ambry Genetics
Classification: Pathogenic for Hereditary cancer-predisposing syndrome. Last evaluated: 2016-06-30. Review status: criteria provided, single submitter. Criteria: Ambry Variant Classification Scheme 2023. Collection method: clinical testing. Allele origin: germline. Not counted in ClinVar's aggregate classification.
Comment: The c.3637delG pathogenic mutation, located in coding exon 9 of the BRCA1 gene, results from a deletion of one nucleotide at nucleotide position 3637, causing a translational frameshift with a predicted alternate stop codon. Since frameshifts are typically deleterious in nature, this alteration is interpreted as a disease-causing mutation (ACMG Recommendations for Standards for Interpretation and Reporting of Sequence Variations. Revision 2007. Genet. Med. 2008; 10:294).